The following is an entry in ClinVar:

NM_000138.5(FBN1):c.3702A>G (p.Arg1234=)

Gene: FBN1 (fibrillin 1; minus strand). Cytogenetic location: 15q21.1.
Variant type: single nucleotide variant.
Coding change: c.3702A>G on transcript NM_000138.5 (MANE Select); coding-DNA position 3702, A replaced by G.
Protein change: p.Arg1234=; no amino-acid change (arginine 1234 retained).
Molecular consequence: synonymous variant.
Genome position (GRCh38, 1-based): chr15:48,485,384, T>C on the plus strand (A>G on the coding strand, the complement: FBN1 is on the minus strand). VCF-style: chr15-48485384-T-C. GRCh37 (hg19) VCF-style: chr15-48777581-T-C.
Other names: c.3702A>G, p.Arg1234= (NM_001406716.1).
Identifiers: ClinVar variation 3061534 (VCV003061534.2), dbSNP rs2505544706, ClinGen allele CA490017326.

ClinVar aggregate classification (germline): Likely benign (0 of 4 stars; one submission).

Conditions:
FBN1-related disorder. Also called: FBN1-related disorders.

Submission:

PreventionGenetics, part of Exact Sciences
Classification: Likely benign for FBN1-related condition. Last evaluated: 2021-07-19. Review status: no assertion criteria provided. Collection method: clinical testing. Allele origin: germline.
Comment: This variant is classified as likely benign based on ACMG/AMP sequence variant interpretation guidelines (Richards et al. 2015 PMID: 25741868, with internal and published modifications).